The following is an entry in ClinVar:

ClinVar aggregate classification (germline): Likely benign. Review status: criteria provided, multiple submitters, no conflicts (2 of 4 stars). 3 submissions from 3 submitters: Likely benign (2). 1 of the submissions does not count toward it. Last evaluated 2025-09-25.

Conditions:
JAK1-related disorder. Also called: JAK1-related condition.

Allele frequency attached by ClinVar (database versions not stated): gnomAD exomes 0.00001; ESP Exome Variant Server 0.00008; TOPMed 0.00016; gnomAD 0.00017; 1000 Genomes Project 30x 0.00031.
gnomAD v4.1: 42 of 1,613,962 alleles (0.0026%); highest among the groups gnomAD compares: African/African-American, 0.053%; no homozygotes.

Submissions (3):

Labcorp Genetics (formerly Invitae), Labcorp
Classification: Likely benign. Last evaluated: 2025-09-25. Review status: criteria provided, single submitter. Criteria: Invitae Variant Classification Sherloc (09022015). Collection method: clinical testing. Allele origin: germline.

Blueprint Genetics
Classification: Likely benign. Last evaluated: 2022-04-11. Review status: criteria provided, single submitter. Criteria: ACMG Guidelines, 2015. Collection method: clinical testing. Allele origin: germline.

PreventionGenetics, part of Exact Sciences
Classification: Likely benign for JAK1-related condition. Last evaluated: 2019-06-05. Review status: no assertion criteria provided. Collection method: clinical testing. Allele origin: germline. Not counted in ClinVar's aggregate classification.
Comment: This variant is classified as likely benign based on ACMG/AMP sequence variant interpretation guidelines (Richards et al. 2015 PMID: 25741868, with internal and published modifications).

NM_002227.4(JAK1):c.2251+9C>T

Gene: JAK1 (Janus kinase 1; minus strand). Cytogenetic location: 1p31.3.
Variant type: single nucleotide variant.
Coding change: c.2251+9C>T on transcript NM_002227.4 (MANE Select); 9 bases into the intron after coding-DNA position 2251, C replaced by T.
Molecular consequence: intron variant.
Genome position (GRCh38, 1-based): chr1:64,844,745, G>A on the plus strand (C>T on the coding strand, the complement: JAK1 is on the minus strand). VCF-style: chr1-64844745-G-A. GRCh37 (hg19) VCF-style: chr1-65310428-G-A.
Other names: c.2251+9C>T (NM_002227.3, NM_001321852.2, NM_001321854.2 and 4 more transcripts); c.2248+9C>T (NM_001321857.2).
Identifiers: ClinVar variation 2148342 (VCV002148342.7), dbSNP rs377365731, ClinGen allele CA23903048.